The following is an entry in ClinVar:

ClinVar aggregate classification (germline): Likely pathogenic (1 of 4 stars; one submission).

Conditions:
Charcot-Marie-Tooth disease type 4D. Also called: CHARCOT-MARIE-TOOTH DISEASE, DEMYELINATING, AUTOSOMAL RECESSIVE, TYPE 4D; NEUROPATHY, HEREDITARY MOTOR AND SENSORY, LOM TYPE; Charcot-Marie-Tooth Neuropathy Type 4D; CHARCOT-MARIE-TOOTH DISEASE, DEMYELINATING, TYPE 4D. Identifiers: Orphanet 99950, MedGen C1832334, MONDO:0011085, OMIM 601455.

Submission:

Natera, Inc.
Classification: Likely pathogenic for Charcot-Marie-Tooth disease type 4D. Last evaluated: 2025-01-15. Review status: criteria provided, single submitter. Criteria: Natera Variant Classification Schema (03/2026). Collection method: clinical testing. Allele origin: germline.
Comment: The c.63+1G>C variant in NDRG1 is a canonical splice donor site variant predicted to affect pre-mRNA splicing, which may result in an abnormal transcript and altered protein product. This variant may result in a truncated or dysfunctional protein product. This variant is rare in the general population with a frequency below the threshold expected for the associated phenotype(s). Given the available evidence, this variant is classified as Likely Pathogenic.

NM_006096.4(NDRG1):c.63+1G>C

Gene: NDRG1 (N-myc downstream regulated 1; minus strand). Cytogenetic location: 8q24.22.
Variant type: single nucleotide variant.
Coding change: c.63+1G>C on transcript NM_006096.4 (MANE Select); the canonical splice donor site of the intron after coding-DNA position 63, G replaced by C.
Molecular consequence: splice donor variant. On other transcripts: intron variant (2).
Genome position (GRCh38, 1-based): chr8:133,284,248, C>G on the plus strand (G>C on the coding strand, the complement: NDRG1 is on the minus strand). VCF-style: chr8-133284248-C-G. GRCh37 (hg19) VCF-style: chr8-134296491-C-G.
Other names: c.-100+12886G>C (NM_001258432.2); c.-135-3981G>C (NM_001374847.1); c.-75+1G>C (NM_001258433.2); c.63+1G>C (NM_001374844.1, NM_001135242.2, NM_001374845.1 and 1 more transcripts).
Identifiers: ClinVar variation 4058375 (VCV004058375.2).